The following is an entry in ClinVar:

NM_006303.4(AIMP2):c.277A>T (p.Ile93Phe)

Gene: AIMP2 (aminoacyl tRNA synthetase complex interacting multifunctional protein 2; plus strand). Cytogenetic location: 7p22.1.
Variant type: single nucleotide variant.
Coding change: c.277A>T on transcript NM_006303.4 (MANE Select); coding-DNA position 277, A replaced by T.
Protein change: p.Ile93Phe; replaces isoleucine 93 with phenylalanine.
Molecular consequence: missense variant. On other transcripts: intron variant (1).
Genome position (GRCh38, 1-based): chr7:6,015,287, A>T. VCF-style: chr7-6015287-A-T. GRCh37 (hg19) VCF-style: chr7-6054918-A-T.
Other names: c.157A>T, p.Ile53Phe (NM_001326606.2); c.43A>T, p.Ile15Phe (NM_001326609.2, NM_001326610.2, NM_001326611.3); c.190A>T, p.Ile64Phe (NM_001362785.2); c.145A>T, p.Ile49Phe (NM_001362787.2); c.136-2527A>T (NM_001326607.2); short protein forms I64F, I93F, I15F, I49F, I53F.
Identifiers: ClinVar variation 2000762 (VCV002000762.4), dbSNP rs2536810189, ClinGen allele CA366746281.

ClinVar aggregate classification (germline): Uncertain significance (1 of 4 stars; one submission).

Submission:

Labcorp Genetics (formerly Invitae), Labcorp
Classification: Uncertain significance. Last evaluated: 2022-07-18. Review status: criteria provided, single submitter. Criteria: Invitae Variant Classification Sherloc (09022015). Collection method: clinical testing. Allele origin: germline.
Comment: In summary, the available evidence is currently insufficient to determine the role of this variant in disease. Therefore, it has been classified as a Variant of Uncertain Significance. Algorithms developed to predict the effect of missense changes on protein structure and function (SIFT, PolyPhen-2, Align-GVGD) all suggest that this variant is likely to be tolerated. This variant has not been reported in the literature in individuals affected with AIMP2-related conditions. This variant is not present in population databases (gnomAD no frequency). This sequence change replaces isoleucine, which is neutral and non-polar, with phenylalanine, which is neutral and non-polar, at codon 93 of the AIMP2 protein (p.Ile93Phe).